The following is an entry in ClinVar:

ClinVar aggregate classification (germline): Uncertain significance (1 of 4 stars; one submission).

Submission:

GeneDx
Classification: Uncertain significance. Last evaluated: 2024-06-20. Review status: criteria provided, single submitter. Criteria: GeneDx Variant Classification Process June 2021. Collection method: clinical testing. Allele origin: germline. Affected: yes.
Comment: Not observed at significant frequency in large population cohorts (gnomAD); In silico analysis supports that this missense variant has a deleterious effect on protein structure/function; Has not been previously published as pathogenic or benign to our knowledge

NM_006922.4(SCN3A):c.4811T>A (p.Met1604Lys)

Gene: SCN3A (sodium voltage-gated channel alpha subunit 3; minus strand). Cytogenetic location: 2q24.3.
Variant type: single nucleotide variant.
Coding change: c.4811T>A on transcript NM_006922.4 (MANE Select); coding-DNA position 4811, T replaced by A.
Protein change: p.Met1604Lys; replaces methionine 1604 with lysine.
Molecular consequence: missense variant.
Genome position (GRCh38, 1-based): chr2:165,091,342, A>T on the plus strand (T>A on the coding strand, the complement: SCN3A is on the minus strand). VCF-style: chr2-165091342-A-T. GRCh37 (hg19) VCF-style: chr2-165947852-A-T.
Other names: c.4664T>A, p.Met1555Lys (NM_001081676.2, NM_001081677.2); short protein forms M1555K, M1604K.
Identifiers: ClinVar variation 3391645 (VCV003391645.1).
Genomic context (GRCh38, chr2:165,091,342, plus strand): 5'-CGGATCACTCGGAACAAGGTAGGGGACACAAAATACTTTTCTATCATCTCAGCCAGAAAC[A>T]TACCTATGGAAAACATAGAACACAGCTAAACAGATAATATCTTTCACTTACATGATGGCT-3'
Protein context (NP_008853.3, residues 1594-1614): FVVVILSIVG[Met1604Lys]FLAEMIEKYF